The following is an entry in ClinVar:

ClinVar aggregate classification (germline): Uncertain significance (1 of 4 stars; one submission).

Conditions:
Encephalopathy, acute, infection-induced (herpes-specific), susceptibility to, 1. Also called: Herpes simplex encephalitis, susceptibility to, 1. Identifiers: Orphanet 1930, MedGen C2750180, MONDO:0024563, OMIM 610551.

gnomAD v4.1: 18 of 1,613,998 alleles (0.0011%); highest among the groups gnomAD compares: African/African-American, 0.0013%; no homozygotes.

Submission:

Labcorp Genetics (formerly Invitae), Labcorp
Classification: Uncertain significance for Encephalopathy, acute, infection-induced (herpes-specific), susceptibility to, 1. Last evaluated: 2025-08-20. Review status: criteria provided, single submitter. Criteria: Invitae Variant Classification Sherloc (09022015). Collection method: clinical testing. Allele origin: germline.
Comment: This sequence change replaces asparagine, which is neutral and polar, with lysine, which is basic and polar, at codon 57 of the TLR3 protein (p.Asn57Lys). This variant is not present in population databases (gnomAD no frequency). This variant has not been reported in the literature in individuals affected with TLR3-related conditions. An algorithm developed to predict the effect of missense changes on protein structure and function (PolyPhen-2) suggests that this variant is likely to be disruptive. In summary, the available evidence is currently insufficient to determine the role of this variant in disease. Therefore, it has been classified as a Variant of Uncertain Significance.

NM_003265.3(TLR3):c.171C>A (p.Asn57Lys)

Gene: TLR3 (toll like receptor 3; plus strand). Cytogenetic location: 4q35.1.
Variant type: single nucleotide variant.
Coding change: c.171C>A on transcript NM_003265.3 (MANE Select); coding-DNA position 171, C replaced by A.
Protein change: p.Asn57Lys; replaces asparagine 57 with lysine.
Molecular consequence: missense variant.
Genome position (GRCh38, 1-based): chr4:186,076,790, C>A. VCF-style: chr4-186076790-C-A. GRCh37 (hg19) VCF-style: chr4-186997944-C-A.
Other names: short protein forms N57K.
Identifiers: ClinVar variation 4706539 (VCV004706539.1).